The following is an entry in ClinVar:

ClinVar aggregate classification (germline): Benign/Likely benign. Review status: criteria provided, multiple submitters, no conflicts (2 of 4 stars). 3 submissions from 3 submitters: Benign (1); Likely benign (1). 1 of the submissions does not count toward it. Last evaluated 2025-10-01.

Conditions:
DYRK1B-related disorder. Also called: DYRK1B-related condition.

Allele frequency attached by ClinVar (database versions not stated): 1000 Genomes Project 30x 0.00109; 1000 Genomes Project 0.00140.
gnomAD v4.1: 455 of 1,540,196 alleles (0.03%); highest among the groups gnomAD compares: South Asian, 0.4%; 2 homozygotes.

Submissions (3):

Labcorp Genetics (formerly Invitae), Labcorp
Classification: Benign. Last evaluated: 2025-10-01. Review status: criteria provided, single submitter. Criteria: Invitae Variant Classification Sherloc (09022015). Collection method: clinical testing. Allele origin: germline.

Blueprint Genetics
Classification: Likely benign. Last evaluated: 2024-11-22. Review status: criteria provided, single submitter. Criteria: ACMG Guidelines, 2015. Collection method: clinical testing. Allele origin: germline.

PreventionGenetics, part of Exact Sciences
Classification: Likely benign for DYRK1B-related condition. Last evaluated: 2019-12-27. Review status: no assertion criteria provided. Collection method: clinical testing. Allele origin: germline. Not counted in ClinVar's aggregate classification.
Comment: This variant is classified as likely benign based on ACMG/AMP sequence variant interpretation guidelines (Richards et al. 2015 PMID: 25741868, with internal and published modifications).

NM_004714.3(DYRK1B):c.1285G>A (p.Gly429Ser)

Gene: DYRK1B (dual specificity tyrosine phosphorylation regulated kinase 1B; minus strand). Cytogenetic location: 19q13.2.
Variant type: single nucleotide variant.
Coding change: c.1285G>A on transcript NM_004714.3 (MANE Select); coding-DNA position 1285, G replaced by A.
Protein change: p.Gly429Ser; replaces glycine 429 with serine.
Molecular consequence: missense variant.
Genome position (GRCh38, 1-based): chr19:39,826,798, C>T on the plus strand (G>A on the coding strand, the complement: DYRK1B is on the minus strand). VCF-style: chr19-39826798-C-T. GRCh37 (hg19) VCF-style: chr19-40317438-C-T.
Other names: c.1285G>A (NM_004714.2); c.1165G>A, p.Gly389Ser (NM_006483.3); c.1201G>A, p.Gly401Ser (NM_006484.3); short protein forms G401S, G429S, G389S.
Identifiers: ClinVar variation 2146958 (VCV002146958.7), dbSNP rs529074049, ClinGen allele CA9434099.